The following is an entry in ClinVar:

ClinVar aggregate classification (germline): Uncertain significance (1 of 4 stars; one submission).

Conditions:
Familial melanoma. Also called: Hereditary melanoma; Hereditary cutaneous melanoma. Identifiers: Orphanet 618, MedGen C1512419, MONDO:0018961.

Submission:

Labcorp Genetics (formerly Invitae), Labcorp
Classification: Uncertain significance for Familial melanoma. Last evaluated: 2022-02-19. Review status: criteria provided, single submitter. Criteria: Invitae Variant Classification Sherloc (09022015). Collection method: clinical testing. Allele origin: germline.
Comment: In summary, the available evidence is currently insufficient to determine the role of this variant in disease. Therefore, it has been classified as a Variant of Uncertain Significance. Advanced modeling of protein sequence and biophysical properties (such as structural, functional, and spatial information, amino acid conservation, physicochemical variation, residue mobility, and thermodynamic stability) performed at Invitae indicates that this missense variant is expected to disrupt CDK4 protein function. ClinVar contains an entry for this variant (Variation ID: 859964). This variant has not been reported in the literature in individuals affected with CDK4-related conditions. This variant is not present in population databases (gnomAD no frequency). This sequence change replaces glycine, which is neutral and non-polar, with valine, which is neutral and non-polar, at codon 216 of the CDK4 protein (p.Gly216Val).

NM_000075.4(CDK4):c.647G>T (p.Gly216Val)

Genes: CDK4 (cyclin dependent kinase 4; minus strand), TSPAN31 (tetraspanin 31; plus strand). Cytogenetic location: 12q14.1.
Variant type: single nucleotide variant.
Coding change: c.647G>T on transcript NM_000075.4 (MANE Select); coding-DNA position 647, G replaced by T.
Protein change: p.Gly216Val; replaces glycine 216 with valine.
Molecular consequence: missense variant. On other transcripts: 3 prime UTR variant (3).
Genome position (GRCh38, 1-based): chr12:57,749,490, C>A on the plus strand (G>T on the coding strand, the complement: CDK4 is on the minus strand). VCF-style: chr12-57749490-C-A. GRCh37 (hg19) VCF-style: chr12-58143273-C-A.
Other names: c.*2200C>A (NM_001330168.2, NM_001330169.2, NM_005981.5); short protein forms G216V.
Identifiers: ClinVar variation 859964 (VCV000859964.9), dbSNP rs1955206366, ClinGen allele CA385544169.
Genomic context (GRCh38, chr12:57,749,490, plus strand): 5'-TTTTCTCCCATGTTGGTCACTTACTCAAAGATTTTGCCCAACTGGTCGGCTTCAGAGTTT[C>A]CACAGAAGAGAGGCCTAAGGTGAGAAGGGATATAAGGTAGCAGTCATTTTCAAAGATATC-3'
Protein context (NP_000066.1, residues 206-226): EMFRRKPLFC[Gly216Val]NSEADQLGKI